The following is an entry in ClinVar:

ClinVar aggregate classification (germline): Uncertain significance (0 of 4 stars; one submission).

Conditions:
GNAS-related disorder. Identifiers: MedGen CN380105.

gnomAD v4.1: 1 of 1,610,682 alleles (0.000062%); no homozygotes.

Submission:

PreventionGenetics, part of Exact Sciences
Classification: Uncertain significance for GNAS-related condition. Last evaluated: 2024-09-24. Review status: no assertion criteria provided. Collection method: clinical testing. Allele origin: germline.
Comment: The GNAS c.1691A>G variant is predicted to result in the amino acid substitution p.Tyr564Cys. To our knowledge, this variant has not been reported in the literature or in a large population database, indicating this variant is rare. At this time, the clinical significance of this variant is uncertain due to the absence of conclusive functional and genetic evidence.

NM_080425.4(GNAS):c.1691A>G (p.Tyr564Cys)

Gene: GNAS (GNAS complex locus; plus strand). Cytogenetic location: 20q13.32.
Variant type: single nucleotide variant.
Coding change: c.1691A>G on transcript NM_080425.4 (MANE Plus Clinical); coding-DNA position 1691, A replaced by G.
Protein change: p.Tyr564Cys; replaces tyrosine 564 with cysteine.
Molecular consequence: missense variant. On other transcripts: intron variant (3).
Genome position (GRCh38, 1-based): chr20:58,854,956, A>G. VCF-style: chr20-58854956-A-G. GRCh37 (hg19) VCF-style: chr20-57430011-A-G.
Other names: c.1504A>G, p.Thr502Ala (NM_001077490.3, NM_001309883.1); c.1691A>G, p.Tyr564Cys (NM_001410913.1); c.*42+14070A>G (NM_016592.5); c.43+14070A>G (NM_001410912.1); c.-39+13081A>G (NM_001309861.2); short protein forms T502A, Y564C.
Identifiers: ClinVar variation 3345778 (VCV003345778.1).